The following is an entry in ClinVar:

NM_000051.4(ATM):c.5341G>A (p.Asp1781Asn)

Gene: ATM (ATM serine/threonine kinase; plus strand). Cytogenetic location: 11q22.3.
Variant type: single nucleotide variant.
Coding change: c.5341G>A on transcript NM_000051.4 (MANE Select); coding-DNA position 5341, G replaced by A.
Protein change: p.Asp1781Asn; replaces aspartic acid 1781 with asparagine.
Molecular consequence: missense variant.
Genome position (GRCh38, 1-based): chr11:108,302,874, G>A. VCF-style: chr11-108302874-G-A. GRCh37 (hg19) VCF-style: chr11-108173601-G-A.
Other names: c.5341G>A, p.Asp1781Asn (NM_001351834.2); short protein forms D1781N.
Identifiers: ClinVar variation 3660920 (VCV003660920.2).

ClinVar aggregate classification (germline): Uncertain significance (1 of 4 stars; one submission).

Conditions:
Ataxia-telangiectasia syndrome (AT). Also called: LOUIS-BAR SYNDROME; Cerebello-oculocutaneous telangiectasia; Immunodeficiency with ataxia telangiectasia; ATAXIA-TELANGIECTASIA, COMPLEMENTATION GROUP A; ATAXIA-TELANGIECTASIA, FRESNO VARIANT; Ataxia-telangiectasia, complementation group D. Identifiers: Orphanet 100, MedGen C0004135, MONDO:0008840, OMIM 208900.

gnomAD v4.1: 1 of 1,612,734 alleles (0.000062%); highest among the groups gnomAD compares: South Asian, 0.0011%; no homozygotes.

Submission:

Labcorp Genetics (formerly Invitae), Labcorp
Classification: Uncertain significance for Ataxia-telangiectasia syndrome. Last evaluated: 2024-07-30. Review status: criteria provided, single submitter. Criteria: Invitae Variant Classification Sherloc (09022015). Collection method: clinical testing. Allele origin: germline.
Comment: This sequence change replaces aspartic acid, which is acidic and polar, with asparagine, which is neutral and polar, at codon 1781 of the ATM protein (p.Asp1781Asn). This variant is not present in population databases (gnomAD no frequency). This variant has not been reported in the literature in individuals affected with ATM-related conditions. An algorithm developed to predict the effect of missense changes on protein structure and function outputs the following: PolyPhen-2: "Benign". The asparagine amino acid residue is found in multiple mammalian species, which suggests that this missense change does not adversely affect protein function. In summary, the available evidence is currently insufficient to determine the role of this variant in disease. Therefore, it has been classified as a Variant of Uncertain Significance.